The following is an entry in ClinVar:

ClinVar aggregate classification (germline): Pathogenic (1 of 4 stars; one submission).

Conditions:
Primary ciliary dyskinesia. Also called: Ciliary dyskinesia. Identifiers: Orphanet 244, MedGen C0008780, MONDO:0016575, HP:0012265.

Submission:

Labcorp Genetics (formerly Invitae), Labcorp
Classification: Pathogenic for Primary ciliary dyskinesia. Last evaluated: 2024-01-17. Review status: criteria provided, single submitter. Criteria: Invitae Variant Classification Sherloc (09022015). Collection method: clinical testing. Allele origin: germline.
Comment: This sequence change creates a premature translational stop signal (p.Thr182Asnfs*5) in the CCDC39 gene. It is expected to result in an absent or disrupted protein product. Loss-of-function variants in CCDC39 are known to be pathogenic (PMID: 21131972, 23255504). This variant is not present in population databases (gnomAD no frequency). This variant has not been reported in the literature in individuals affected with CCDC39-related conditions. Algorithms developed to predict the effect of sequence changes on RNA splicing suggest that this variant may disrupt the consensus splice site. For these reasons, this variant has been classified as Pathogenic.

Literature cited by the submitters: PubMed 21131972; PubMed 23255504.

NM_181426.2(CCDC39):c.542dup (p.Thr182fs)

Gene: CCDC39 (coiled-coil domain 39 molecular ruler complex subunit; minus strand). Cytogenetic location: 3q26.33.
Variant type: Duplication.
Coding change: c.542dup on transcript NM_181426.2 (MANE Select); coding-DNA position 542, one base duplicated (T; older notation c.542dupT).
Protein change: p.Thr182fs; shifts the reading frame from threonine 182.
Molecular consequence: frameshift variant.
Genome position (GRCh38, 1-based): chr3:180,659,744, A duplicated on the plus strand (T on the coding strand, the reverse complement: CCDC39 is on the minus strand). VCF-style (leftmost placement, unchanged base first): chr3-180659743-T-TA. GRCh37 (hg19) VCF-style: chr3-180377531-T-TA.
Other names: short protein forms T182fs.
Identifiers: ClinVar variation 2840084 (VCV002840084.3), dbSNP rs2473824051, ClinGen allele CA2739279767.